The following is an entry in ClinVar:

NM_177438.3(DICER1):c.1003C>T (p.His335Tyr)

Gene: DICER1 (dicer 1, ribonuclease III; minus strand). Cytogenetic location: 14q32.13.
Variant type: single nucleotide variant.
Coding change: c.1003C>T on transcript NM_177438.3 (MANE Select); coding-DNA position 1003, C replaced by T.
Protein change: p.His335Tyr; replaces histidine 335 with tyrosine.
Molecular consequence: missense variant.
Genome position (GRCh38, 1-based): chr14:95,124,569, G>A on the plus strand (C>T on the coding strand, the complement: DICER1 is on the minus strand). VCF-style: chr14-95124569-G-A. GRCh37 (hg19) VCF-style: chr14-95590906-G-A.
Other names: c.1003C>T, p.His335Tyr (NM_001195573.1, NM_001271282.3, NM_001291628.2 and 1 more transcripts); short protein forms H335Y.
Identifiers: ClinVar variation 864521 (VCV000864521.10), dbSNP rs556647675, ClinGen allele CA7331536.

ClinVar aggregate classification (germline): Uncertain significance. Review status: criteria provided, multiple submitters, no conflicts (2 of 4 stars). 2 submissions from 2 submitters: Uncertain significance (2). Last evaluated 2024-07-16.

Conditions:
Hereditary cancer-predisposing syndrome. Also called: Tumor predisposition; Hereditary Cancer Syndrome; Neoplastic Syndromes, Hereditary; Hereditary neoplastic syndrome. Identifiers: Orphanet 140162, MedGen C0027672, MeSH D009386, MONDO:0015356.
DICER1-related tumor predisposition. Also called: DICER1-related pleuropulmonary blastoma cancer predisposition syndrome; DICER1 syndrome. Identifiers: Orphanet 284343, MedGen C3839822, MONDO:0100216.

Allele frequency attached by ClinVar (database versions not stated): TOPMed below 0.00001; gnomAD 0.00001; ExAC 0.00002; gnomAD exomes 0.00002; 1000 Genomes Project 30x 0.00016; 1000 Genomes Project 0.00020.
gnomAD v4.1: 10 of 1,613,820 alleles (0.00062%); highest among the groups gnomAD compares: South Asian, 0.011%; no homozygotes.

Submissions (2):

Ambry Genetics
Classification: Uncertain significance for Hereditary cancer-predisposing syndrome. Last evaluated: 2024-07-16. Review status: criteria provided, single submitter. Criteria: Ambry Variant Classification Scheme 2023. Collection method: clinical testing. Allele origin: germline.
Comment: The p.H335Y variant (also known as c.1003C>T), located in coding exon 7 of the DICER1 gene, results from a C to T substitution at nucleotide position 1003. The histidine at codon 335 is replaced by tyrosine, an amino acid with similar properties. This amino acid position is conserved. In addition, this alteration is predicted to be tolerated by in silico analysis. Based on the available evidence, the clinical significance of this variant remains unclear.

Labcorp Genetics (formerly Invitae), Labcorp
Classification: Uncertain significance for DICER1-related tumor predisposition. Last evaluated: 2024-03-09. Review status: criteria provided, single submitter. Criteria: Invitae Variant Classification Sherloc (09022015). Collection method: clinical testing. Allele origin: germline.
Comment: This sequence change replaces histidine, which is basic and polar, with tyrosine, which is neutral and polar, at codon 335 of the DICER1 protein (p.His335Tyr). This variant is present in population databases (rs556647675, gnomAD 0.02%). This variant has not been reported in the literature in individuals affected with DICER1-related conditions. ClinVar contains an entry for this variant (Variation ID: 864521). Advanced modeling of protein sequence and biophysical properties (such as structural, functional, and spatial information, amino acid conservation, physicochemical variation, residue mobility, and thermodynamic stability) performed at Invitae indicates that this missense variant is not expected to disrupt DICER1 protein function with a negative predictive value of 80%. In summary, the available evidence is currently insufficient to determine the role of this variant in disease. Therefore, it has been classified as a Variant of Uncertain Significance.